The following is an entry in ClinVar:

ClinVar aggregate classification (germline): Uncertain significance (1 of 4 stars; one submission).

Conditions:
Menkes kinky-hair syndrome (MNK). Also called: Copper transport disease; Menkes Disease; Classic Menkes Disease. Identifiers: Orphanet 565, MedGen C0022716, MONDO:0010651, OMIM 309400.
Cutis laxa, X-linked (OHS). Also called: EDS IX; Occipital horn syndrome. Identifiers: Orphanet 198, MedGen C0268353, MONDO:0010572, OMIM 304150.
X-linked distal spinal muscular atrophy type 3. Also called: ATP7A-Related Distal Motor Neuropathy; SPINAL MUSCULAR ATROPHY, DISTAL, X-LINKED RECESSIVE; NEURONOPATHY, DISTAL HEREDITARY MOTOR, X-LINKED; NEUROPATHY, DISTAL HEREDITARY MOTOR, X-LINKED. Identifiers: Orphanet 139557, MedGen C1845359, MONDO:0010338, OMIM 300489.

Submission:

Labcorp Genetics (formerly Invitae), Labcorp
Classification: Uncertain significance for X-linked distal spinal muscular atrophy type 3; Cutis laxa, X-linked; Menkes kinky-hair syndrome. Last evaluated: 2022-12-09. Review status: criteria provided, single submitter. Criteria: Invitae Variant Classification Sherloc (09022015). Collection method: clinical testing. Allele origin: germline.
Comment: In summary, the available evidence is currently insufficient to determine the role of this variant in disease. Therefore, it has been classified as a Variant of Uncertain Significance. Advanced modeling of protein sequence and biophysical properties (such as structural, functional, and spatial information, amino acid conservation, physicochemical variation, residue mobility, and thermodynamic stability) performed at Invitae indicates that this missense variant is not expected to disrupt ATP7A protein function. This variant has not been reported in the literature in individuals affected with ATP7A-related conditions. This variant is not present in population databases (gnomAD no frequency). This sequence change replaces glutamic acid, which is acidic and polar, with lysine, which is basic and polar, at codon 1494 of the ATP7A protein (p.Glu1494Lys).

NM_000052.7(ATP7A):c.4480G>A (p.Glu1494Lys)

Gene: ATP7A (ATPase copper transporting alpha; plus strand). Cytogenetic location: Xq21.1.
Variant type: single nucleotide variant.
Coding change: c.4480G>A on transcript NM_000052.7 (MANE Select); coding-DNA position 4480, G replaced by A.
Protein change: p.Glu1494Lys; replaces glutamic acid 1494 with lysine.
Molecular consequence: missense variant. On other transcripts: non-coding transcript variant (1).
Genome position (GRCh38, 1-based): chrX:78,046,547, G>A. VCF-style: chrX-78046547-G-A. GRCh37 (hg19) VCF-style: chrX-77302044-G-A.
Other names: c.4246G>A, p.Glu1416Lys (NM_001282224.2); short protein forms E1494K, E1416K.
Identifiers: ClinVar variation 2942165 (VCV002942165.3), dbSNP rs2522427989, ClinGen allele CA413606516.